The following is an entry in ClinVar:

NM_015937.6(PIGT):c.770A>C (p.Asp257Ala)

Gene: PIGT (phosphatidylinositol glycan anchor biosynthesis class T; plus strand). Cytogenetic location: 20q13.12.
Variant type: single nucleotide variant.
Coding change: c.770A>C on transcript NM_015937.6 (MANE Select); coding-DNA position 770, A replaced by C.
Protein change: p.Asp257Ala; replaces aspartic acid 257 with alanine.
Molecular consequence: missense variant. On other transcripts: non-coding transcript variant (5).
Genome position (GRCh38, 1-based): chr20:45,420,332, A>C. VCF-style: chr20-45420332-A-C. GRCh37 (hg19) VCF-style: chr20-44048972-A-C.
Other names: p.Asp257Ala; c.602A>C, p.Asp201Ala (NM_001184728.3); c.770A>C, p.Asp257Ala (NM_001184729.3); c.464A>C, p.Asp155Ala (NM_001184730.3); short protein forms D257A, D201A, D155A.
Identifiers: ClinVar variation 218727 (VCV000218727.15), dbSNP rs61753669, ClinGen allele CA249184.
Genomic context (GRCh38, chr20:45,420,332, plus strand): 5'-TTATCTATGTGGACTAGGCCTAGGCCTGGCCCCTGCTCAGCCCTGCGCTCTGTTTCTCAG[A>C]CTGGTCCCTCTTCCGGATGTTCTCCCGAACCCTCACGGAGCCCTGCCCCCTGGCTTCAGA-3'
Protein context (NP_057021.2, residues 247-267): DAFITGQGKK[Asp257Ala]WSLFRMFSRT

ClinVar aggregate classification (germline): Benign/Likely benign. Review status: criteria provided, multiple submitters, no conflicts (2 of 4 stars). 5 submissions from 5 submitters: Benign (3); Likely benign (2). Last evaluated 2026-02-01.

Conditions:
Multiple congenital anomalies-hypotonia-seizures syndrome 3 (MCAHS3). Also called: GLYCOSYLPHOSPHATIDYLINOSITOL BIOSYNTHESIS DEFECT 7. Identifiers: Orphanet 369837, MedGen C3809356, MONDO:0014165, OMIM 615398.

Allele frequency attached by ClinVar (database versions not stated): 1000 Genomes Project 0.01098; 1000 Genomes Project 30x 0.01109; TOPMed 0.01598; gnomAD 0.01749; ESP Exome Variant Server 0.01899; ExAC 0.01978.
gnomAD v4.1: 35,754 of 1,611,980 alleles (2.2%); highest among the groups gnomAD compares: Middle Eastern, 2.7%; 451 homozygotes.

Submissions (5):

Labcorp Genetics (formerly Invitae), Labcorp
Classification: Benign for Multiple congenital anomalies-hypotonia-seizures syndrome 3. Last evaluated: 2026-02-01. Review status: criteria provided, single submitter. Criteria: Invitae Variant Classification Sherloc (09022015). Collection method: clinical testing. Allele origin: germline.

Mayo Clinic Laboratories, Mayo Clinic
Classification: Benign. Last evaluated: 2022-07-28. Review status: criteria provided, single submitter. Criteria: ACMG Guidelines, 2015. Collection method: clinical testing. Allele origin: germline. Observed: 11 variant alleles.
Comment: BS1, BS2, BP4

GeneDx
Classification: Likely benign. Last evaluated: 2021-03-30. Review status: criteria provided, single submitter. Criteria: GeneDx Variant Classification Process June 2021. Collection method: clinical testing. Allele origin: germline. Affected: yes.

Genomic Diagnostic Laboratory, Division of Genomic Diagnostics, Children's Hospital of Philadelphia
Classification: Benign. Last evaluated: 2015-02-16. Review status: criteria provided, single submitter. Criteria: DGD Variant Analysis Guidelines. Collection method: clinical testing. Allele origin: unknown.

Breakthrough Genomics
Classification: Likely benign. Review status: criteria provided, single submitter. Criteria: ACMG Guidelines, 2015. Collection method: not provided. Allele origin: germline. Inheritance: Autosomal recessive inheritance. Affected: yes.